The following is an entry in ClinVar:

ClinVar aggregate classification (germline): Benign/Likely benign. Review status: criteria provided, multiple submitters, no conflicts (2 of 4 stars). 4 submissions from 4 submitters: Benign (2); Likely benign (2). Last evaluated 2025-10-28.

Conditions:
Early-infantile DEE. Also called: Ohtahara syndrome; Early infantile epileptic encephalopathy; Early infantile epileptic encephalopathy with suppression bursts. Identifiers: Orphanet 1934, MedGen C0393706, MONDO:0800491.
Developmental and epileptic encephalopathy, 5 (DEE5). Identifiers: Orphanet 3451, MedGen C3150731, MONDO:0013277, OMIM 613477.

Allele frequency attached by ClinVar (database versions not stated): ExAC 0.00002; gnomAD exomes 0.00002; TOPMed 0.00002; gnomAD 0.00005.
gnomAD v4.1: 37 of 1,613,986 alleles (0.0023%); highest among the groups gnomAD compares: Non-Finnish European, 0.0031%; no homozygotes.

Submissions (4):

Labcorp Genetics (formerly Invitae), Labcorp
Classification: Likely benign for Early-infantile DEE. Last evaluated: 2025-10-28. Review status: criteria provided, single submitter. Criteria: Invitae Variant Classification Sherloc (09022015). Collection method: clinical testing. Allele origin: germline.

Blueprint Genetics
Classification: Likely benign. Last evaluated: 2024-10-24. Review status: criteria provided, single submitter. Criteria: ACMG Guidelines, 2015. Collection method: clinical testing. Allele origin: germline.

Genome-Nilou Lab
Classification: Benign for Developmental and epileptic encephalopathy, 5. Last evaluated: 2021-07-15. Review status: criteria provided, single submitter. Criteria: ACMG Guidelines, 2015. Collection method: clinical testing. Allele origin: germline. Affected: no.

GeneDx
Classification: Benign. Last evaluated: 2014-09-08. Review status: criteria provided, single submitter. Criteria: GeneDx Variant Classification (06012015). Collection method: clinical testing. Allele origin: germline. Affected: yes.
Comment: This variant is considered likely benign or benign based on one or more of the following criteria: it is a conservative change, it occurs at a poorly conserved position in the protein, it is predicted to be benign by multiple in silico algorithms, and/or has population frequency not consistent with disease.

NM_001130438.3(SPTAN1):c.4188G>A (p.Gln1396=)

Gene: SPTAN1 (spectrin alpha, non-erythrocytic 1; plus strand). Cytogenetic location: 9q34.11.
Variant type: single nucleotide variant.
Coding change: c.4188G>A on transcript NM_001130438.3 (MANE Select); coding-DNA position 4188, G replaced by A.
Protein change: p.Gln1396=; no amino-acid change (glutamine 1396 retained).
Molecular consequence: synonymous variant.
Genome position (GRCh38, 1-based): chr9:128,607,893, G>A. VCF-style: chr9-128607893-G-A. GRCh37 (hg19) VCF-style: chr9-131370172-G-A.
Other names: p.Q1396Q:CAG>CAA; c.4128G>A, p.Gln1376= (NM_001195532.2, NM_001363765.2); c.4188G>A, p.Gln1396= (NM_001363759.2, NM_003127.4).
Identifiers: ClinVar variation 207290 (VCV000207290.13), dbSNP rs763156575, ClinGen allele CA318616.